The following is an entry in ClinVar:

ClinVar aggregate classification (germline): Uncertain significance (1 of 4 stars; one submission).

Conditions:
Hereditary cancer-predisposing syndrome. Also called: Hereditary neoplastic syndrome; Neoplastic Syndromes, Hereditary; Tumor predisposition; Hereditary Cancer Syndrome. Identifiers: Orphanet 140162, MedGen C0027672, MeSH D009386, MONDO:0015356.

Submission:

Ambry Genetics
Classification: Uncertain significance for Hereditary cancer-predisposing syndrome. Last evaluated: 2025-08-27. Review status: criteria provided, single submitter. Criteria: Ambry Variant Classification Scheme 2023. Collection method: clinical testing. Allele origin: germline.
Comment: The p.S24T variant (also known as c.71G>C), located in coding exon 2 of the MUTYH gene, results from a G to C substitution at nucleotide position 71. The serine at codon 24 is replaced by threonine, an amino acid with similar properties. This amino acid position is conserved. In addition, this alteration is predicted to be tolerated by in silico analysis. Based on the available evidence, the clinical significance of this variant remains unclear.

NM_001048174.2(MUTYH):c.29G>C (p.Ser10Thr)

Gene: MUTYH (mutY DNA glycosylase; minus strand). Cytogenetic location: 1p34.1.
Variant type: single nucleotide variant.
Coding change: c.29G>C on transcript NM_001048174.2 (MANE Select); coding-DNA position 29, G replaced by C.
Protein change: p.Ser10Thr; replaces serine 10 with threonine.
Molecular consequence: missense variant. On other transcripts: 5 prime UTR variant (7), non-coding transcript variant (7).
Genome position (GRCh38, 1-based): chr1:45,334,477, C>G on the plus strand (G>C on the coding strand, the complement: MUTYH is on the minus strand). VCF-style: chr1-45334477-C-G. GRCh37 (hg19) VCF-style: chr1-45800149-C-G.
Other names: c.29G>C, p.Ser10Thr (NM_001048171.2, NM_001048172.2, NM_001048173.2 and 15 more transcripts); c.71G>C, p.Ser24Thr (NM_001128425.2, NM_001293190.2, NM_001407069.1 and 2 more transcripts); c.-184G>C (NM_001293192.2, NM_001293196.2, NM_001407091.1); c.-243G>C (NM_001350650.2); c.-179G>C (NM_001350651.2, NM_001407082.1); c.-128G>C (NM_001407075.1); c.47G>C, p.Ser16Thr (NM_001407087.1); short protein forms S10T, S24T, S16T.
Identifiers: ClinVar variation 4113805 (VCV004113805.1).
Genomic context (GRCh38, chr1:45,334,477, plus strand): 5'-CTGTTGTTCTTAGCATGCTTCTGCCTCCCTTCCTGGCTGGCTGCCTGCTTCCTGTGACCA[C>G]TTCCCACGGCTGCTCGTGGCTTCCTCATGATGGCCTGAAACAAAAAGACCCAGCCAAAGC-3'
Protein context (NP_001041639.1, residues 1-20): MRKPRAAVG[Ser10Thr]GHRKQAASQE